The following is an entry in ClinVar:

NM_002180.3(IGHMBP2):c.809G>A (p.Arg270His)

Gene: IGHMBP2 (immunoglobulin mu DNA binding protein 2; plus strand). Cytogenetic location: 11q13.3.
Variant type: single nucleotide variant.
Coding change: c.809G>A on transcript NM_002180.3 (MANE Select); coding-DNA position 809, G replaced by A.
Protein change: p.Arg270His; replaces arginine 270 with histidine.
Molecular consequence: missense variant.
Genome position (GRCh38, 1-based): chr11:68,914,920, G>A. VCF-style: chr11-68914920-G-A. GRCh37 (hg19) VCF-style: chr11-68682388-G-A.
Other names: short protein forms R270H.
Identifiers: ClinVar variation 1040797 (VCV001040797.6), dbSNP rs756408576, ClinGen allele CA6153399.

ClinVar aggregate classification (germline): Uncertain significance (1 of 4 stars; one submission).

Conditions:
Autosomal recessive distal spinal muscular atrophy 1. Also called: SEVERE INFANTILE AXONAL NEUROPATHY WITH RESPIRATORY FAILURE; Spinal muscular atrophy with respiratory distress 1; HMN VI; NEURONOPATHY, SEVERE INFANTILE AXONAL, WITH RESPIRATORY FAILURE; SPINAL MUSCULAR ATROPHY, DIAPHRAGMATIC; NEURONOPATHY, DISTAL HEREDITARY MOTOR, HARDING TYPE VI. Identifiers: Orphanet 98920, MedGen C1858517, MONDO:0011436, OMIM 604320.
Charcot-Marie-Tooth disease axonal type 2S. Also called: CHARCOT-MARIE-TOOTH NEUROPATHY, TYPE 2S; CHARCOT-MARIE-TOOTH DISEASE, AXONAL, AUTOSOMAL RECESSIVE, TYPE 2S. Identifiers: Orphanet 443073, MedGen C4015349, MONDO:0014511, OMIM 616155.

Allele frequency attached by ClinVar (database versions not stated): TOPMed 0.00005; gnomAD 0.00008 and 0.00009.
gnomAD v4.1: 37 of 1,614,022 alleles (0.0023%); highest among the groups gnomAD compares: Admixed American, 0.027%; no homozygotes.

Submission:

Labcorp Genetics (formerly Invitae), Labcorp
Classification: Uncertain significance for Autosomal recessive distal spinal muscular atrophy 1; Charcot-Marie-Tooth disease axonal type 2S. Last evaluated: 2024-04-22. Review status: criteria provided, single submitter. Criteria: Invitae Variant Classification Sherloc (09022015). Collection method: clinical testing. Allele origin: germline.
Comment: This sequence change replaces arginine, which is basic and polar, with histidine, which is basic and polar, at codon 270 of the IGHMBP2 protein (p.Arg270His). This variant is present in population databases (rs756408576, gnomAD 0.01%). This variant has not been reported in the literature in individuals affected with IGHMBP2-related conditions. ClinVar contains an entry for this variant (Variation ID: 1040797). Advanced modeling of protein sequence and biophysical properties (such as structural, functional, and spatial information, amino acid conservation, physicochemical variation, residue mobility, and thermodynamic stability) performed at Invitae indicates that this missense variant is expected to disrupt IGHMBP2 protein function with a positive predictive value of 80%. In summary, the available evidence is currently insufficient to determine the role of this variant in disease. Therefore, it has been classified as a Variant of Uncertain Significance.